The following is an entry in ClinVar:

ClinVar aggregate classification (germline): Benign/Likely benign. Review status: criteria provided, multiple submitters, no conflicts (2 of 4 stars). 5 submissions from 5 submitters: Benign (1); Likely benign (4). Last evaluated 2026-05-30.

Conditions:
Cardiovascular phenotype. Identifiers: MedGen CN230736.
Dilated cardiomyopathy 1DD (CMD1DD). Identifiers: Orphanet 154, MedGen C2750995, MONDO:0013168, OMIM 613172.
RBM20-related disorder. Also called: RBM20-related condition.

Allele frequency attached by ClinVar (database versions not stated): gnomAD 0.00004 and 0.00005; gnomAD exomes 0.00006 and 0.00016; TOPMed 0.00008; ExAC 0.00046.
gnomAD v4.1: 88 of 1,550,920 alleles (0.0057%); highest among the groups gnomAD compares: South Asian, 0.065%; no homozygotes.

Submissions (5):

PreventionGenetics, part of Exact Sciences
Classification: Likely benign for RBM20-related condition. Last evaluated: 2026-05-30. Review status: criteria provided, single submitter. Criteria: ACMG Guidelines, 2015. Collection method: clinical testing. Allele origin: germline.
Comment: This variant is classified as likely benign based on ACMG/AMP sequence variant interpretation guidelines (Richards et al. 2015 PMID: 25741868, with internal and published modifications).

Labcorp Genetics (formerly Invitae), Labcorp
Classification: Benign for Dilated cardiomyopathy 1DD. Last evaluated: 2025-11-18. Review status: criteria provided, single submitter. Criteria: Invitae Variant Classification Sherloc (09022015). Collection method: clinical testing. Allele origin: germline.

Ambry Genetics
Classification: Likely benign for Cardiovascular phenotype. Last evaluated: 2022-10-02. Review status: criteria provided, single submitter. Criteria: Ambry Variant Classification Scheme 2023. Collection method: clinical testing. Allele origin: germline.

Fulgent Genetics
Classification: Likely benign for Dilated cardiomyopathy 1DD. Last evaluated: 2021-08-13. Review status: criteria provided, single submitter. Criteria: ACMG Guidelines, 2015. Collection method: clinical testing. Allele origin: unknown.

GeneDx
Classification: Likely benign. Last evaluated: 2020-10-06. Review status: criteria provided, single submitter. Criteria: GeneDx Variant Classification Process June 2021. Collection method: clinical testing. Allele origin: germline. Affected: yes.

NM_001134363.3(RBM20):c.2634G>A (p.Pro878=)

Gene: RBM20 (RNA binding motif protein 20; plus strand). Cytogenetic location: 10q25.2.
Variant type: single nucleotide variant.
Coding change: c.2634G>A on transcript NM_001134363.3 (MANE Select); coding-DNA position 2634, G replaced by A.
Protein change: p.Pro878=; no amino-acid change (proline 878 retained).
Molecular consequence: synonymous variant.
Genome position (GRCh38, 1-based): chr10:110,820,155, G>A. VCF-style: chr10-110820155-G-A. GRCh37 (hg19) VCF-style: chr10-112579913-G-A.
Other names: c.2634G>A (NM_001134363.2).
Identifiers: ClinVar variation 1166642 (VCV001166642.17), dbSNP rs755917660, ClinGen allele CA5688705.